The following is an entry in ClinVar:

ClinVar aggregate classification (germline): Benign. Review status: criteria provided, multiple submitters, no conflicts (2 of 4 stars). 3 submissions from 3 submitters: Benign (3). Last evaluated 2024-01-24.

Allele frequency attached by ClinVar (database versions not stated): 1000 Genomes Project 30x 0.79325; 1000 Genomes Project 0.79393; TOPMed 0.79476; gnomAD exomes 0.79570.
gnomAD v4.1: 1,187,257 of 1,490,508 alleles (80%); highest among the groups gnomAD compares: South Asian, 85%; 474,895 homozygotes.

Submissions (3):

Unidad de Genómica Garrahan, Hospital de Pediatría Garrahan
Classification: Benign. Last evaluated: 2024-01-24. Review status: criteria provided, single submitter. Criteria: ACMG Guidelines, 2015. Collection method: clinical testing. Allele origin: germline. Affected: no. Observed: 70 variant alleles.
Comment: This variant is classified as Benign based on local population frequency. This variant was detected in 74% of patients studied by a panel of primary immunodeficiencies. Number of patients: 70. Only high quality variants are reported.

GeneDx
Classification: Benign. Last evaluated: 2018-07-09. Review status: criteria provided, single submitter. Criteria: GeneDx Variant Classification Process June 2021. Collection method: clinical testing. Allele origin: germline. Affected: yes.

Breakthrough Genomics
Classification: Benign. Review status: criteria provided, single submitter. Criteria: ACMG Guidelines, 2015. Collection method: not provided. Allele origin: germline. Inheritance: Autosomal recessive inheritance. Affected: yes.

NM_001127198.5(TMC6):c.1384-116A>G

Genes: TMC6 (transmembrane channel like 6; minus strand), LOC130061784 (ATAC-STARR-seq lymphoblastoid active region 12856; plus strand). Cytogenetic location: 17q25.3.
Variant type: single nucleotide variant.
Coding change: c.1384-116A>G on transcript NM_001127198.5 (MANE Select); 116 bases into the intron before coding-DNA position 1384, A replaced by G.
Molecular consequence: intron variant.
Genome position (GRCh38, 1-based): chr17:78,121,280, T>C on the plus strand (A>G on the coding strand, the complement: TMC6 is on the minus strand). VCF-style: chr17-78121280-T-C. GRCh37 (hg19) VCF-style: chr17-76117361-T-C.
Other names: c.1384-116A>G (NM_001374594.1, NM_001374596.1, NM_001374593.1 and 4 more transcripts).
Identifiers: ClinVar variation 1265891 (VCV001265891.5), dbSNP rs2073285, ClinGen allele CA14488575.
Genomic context (GRCh38, chr17:78,121,280, plus strand): 5'-GCAGCTACAGGGAAGGGCCCGGGGTGGAACTGGCAGGTAGCACCTCCCTCCTCCAAGATC[T>C]GGCCCTCCCCAGGCCTCAAGTTCAAACCACACAGGAAGCAGGGAGGGGTACAAGTAGTGG-3'